The following is an entry in ClinVar:

NM_030665.4(RAI1):c.5702A>G (p.Lys1901Arg)

Gene: RAI1 (retinoic acid induced 1; plus strand). Cytogenetic location: 17p11.2.
Variant type: single nucleotide variant.
Coding change: c.5702A>G on transcript NM_030665.4 (MANE Select); coding-DNA position 5702, A replaced by G.
Protein change: p.Lys1901Arg; replaces lysine 1901 with arginine.
Molecular consequence: missense variant.
Genome position (GRCh38, 1-based): chr17:17,809,432, A>G. VCF-style: chr17-17809432-A-G. GRCh37 (hg19) VCF-style: chr17-17712746-A-G.
Other names: c.5702A>G (NM_030665.3); short protein forms K1901R.
Identifiers: ClinVar variation 1388179 (VCV001388179.10), dbSNP rs779284444, ClinGen allele CA8419288.

ClinVar aggregate classification (germline): Uncertain significance. Review status: criteria provided, multiple submitters, no conflicts (2 of 4 stars). 2 submissions from 2 submitters: Uncertain significance (2). Last evaluated 2026-06-30.

Conditions:
RAI1-related disorder. Also called: RAI1-related condition.

Allele frequency attached by ClinVar (database versions not stated): ExAC 0.00001; gnomAD 0.00001; gnomAD exomes 0.00001; TOPMed 0.00001.
gnomAD v4.1: 17 of 1,601,438 alleles (0.0011%); highest among the groups gnomAD compares: Non-Finnish European, 0.0014%; no homozygotes.

Submissions (2):

PreventionGenetics, part of Exact Sciences
Classification: Uncertain significance for RAI1-related condition. Last evaluated: 2026-06-30. Review status: criteria provided, single submitter. Criteria: ACMG Guidelines, 2015. Collection method: clinical testing. Allele origin: germline.
Comment: The RAI1 c.5702A>G variant is predicted to result in the amino acid substitution p.Lys1901Arg. To our knowledge, this variant has not been reported in the literature. This variant is reported in 0.0040% of alleles in individuals of European (Finnish) descent in gnomAD. At this time, the clinical significance of this variant is uncertain due to the absence of conclusive functional and genetic evidence.

Labcorp Genetics (formerly Invitae), Labcorp
Classification: Uncertain significance. Last evaluated: 2025-04-17. Review status: criteria provided, single submitter. Criteria: Invitae Variant Classification Sherloc (09022015). Collection method: clinical testing. Allele origin: germline.
Comment: This sequence change replaces lysine, which is basic and polar, with arginine, which is basic and polar, at codon 1901 of the RAI1 protein (p.Lys1901Arg). This variant is present in population databases (rs779284444, gnomAD 0.0009%). This variant has not been reported in the literature in individuals affected with RAI1-related conditions. ClinVar contains an entry for this variant (Variation ID: 1388179). Invitae Evidence Modeling of protein sequence and biophysical properties (such as structural, functional, and spatial information, amino acid conservation, physicochemical variation, residue mobility, and thermodynamic stability) indicates that this missense variant is not expected to disrupt RAI1 protein function with a negative predictive value of 80%. In summary, the available evidence is currently insufficient to determine the role of this variant in disease. Therefore, it has been classified as a Variant of Uncertain Significance.